The following is an entry in ClinVar:

NM_025179.4(PLXNA2):c.4354-13T>C

Gene: PLXNA2 (plexin A2; minus strand). Cytogenetic location: 1q32.2.
Variant type: single nucleotide variant.
Coding change: c.4354-13T>C on transcript NM_025179.4 (MANE Select); 13 bases into the intron before coding-DNA position 4354, T replaced by C.
Molecular consequence: intron variant.
Genome position (GRCh38, 1-based): chr1:208,039,780, A>G on the plus strand (T>C on the coding strand, the complement: PLXNA2 is on the minus strand). VCF-style: chr1-208039780-A-G. GRCh37 (hg19) VCF-style: chr1-208213125-A-G.
Other names: c.4354-13T>C (NM_025179.3).
Identifiers: ClinVar variation 1166956 (VCV001166956.12), dbSNP rs1751580, ClinGen allele CA1372892.
Genomic context (GRCh38, chr1:208,039,780, plus strand): 5'-CTGCTTGATGGCACAGTATAGCATGAAGAGTGGCTCCCCTGCGCACTCCTGTGGGCACAG[A>G]CAGGGCAGGAGGTGTGGGCACGGCCTCCTCAGGTTTGTACGTTTTCCCTTTCCTCTCTCG-3'

ClinVar aggregate classification (germline): Benign. Review status: criteria provided, multiple submitters, no conflicts (2 of 4 stars). 3 submissions from 3 submitters: Benign (2). 1 of the submissions does not count toward it. Last evaluated 2026-02-03.

Conditions:
PLXNA2-related disorder. Also called: PLXNA2-related condition.

Allele frequency attached by ClinVar (database versions not stated): 1000 Genomes Project 30x 0.95222; 1000 Genomes Project 0.95427; ESP Exome Variant Server 0.95494; TOPMed 0.95598; gnomAD 0.95818 and 0.96078; ExAC 0.98710; gnomAD exomes 0.98970 and 0.99618.

Submissions (3):

Labcorp Genetics (formerly Invitae), Labcorp
Classification: Benign. Last evaluated: 2026-02-03. Review status: criteria provided, single submitter. Criteria: Invitae Variant Classification Sherloc (09022015). Collection method: clinical testing. Allele origin: germline.

Breakthrough Genomics
Classification: Benign. Review status: criteria provided, single submitter. Criteria: ACMG Guidelines, 2015. Collection method: not provided. Allele origin: germline. Inheritance: Unknown mechanism. Affected: yes.

PreventionGenetics, part of Exact Sciences
Classification: Benign for PLXNA2-related condition. Last evaluated: 2023-06-19. Review status: no assertion criteria provided. Collection method: clinical testing. Allele origin: germline. Not counted in ClinVar's aggregate classification.
Comment: This variant is classified as benign based on ACMG/AMP sequence variant interpretation guidelines (Richards et al. 2015 PMID: 25741868, with internal and published modifications).